The following is an entry in ClinVar:

ClinVar aggregate classification (germline): Uncertain significance (1 of 4 stars; one submission).

Conditions:
Peroxisome biogenesis disorder 2B (PBD2B). Identifiers: Orphanet 44, MedGen C3550234, MONDO:0008736, OMIM 202370.

Allele frequency attached by ClinVar (database versions not stated): gnomAD exomes below 0.00001; gnomAD 0.00002; TOPMed 0.00002.
gnomAD v4.1: 5 of 1,603,318 alleles (0.00031%); highest among the groups gnomAD compares: Admixed American, 0.0034%; no homozygotes.

Submission:

Labcorp Genetics (formerly Invitae), Labcorp
Classification: Uncertain significance for Peroxisome biogenesis disorder 2B. Last evaluated: 2022-10-17. Review status: criteria provided, single submitter. Criteria: Invitae Variant Classification Sherloc (09022015). Collection method: clinical testing. Allele origin: germline.
Comment: This sequence change replaces glutamic acid, which is acidic and polar, with lysine, which is basic and polar, at codon 175 of the PEX5 protein (p.Glu175Lys). This variant is present in population databases (no rsID available, gnomAD 0.003%). This variant has not been reported in the literature in individuals affected with PEX5-related conditions. ClinVar contains an entry for this variant (Variation ID: 1348479). Advanced modeling of protein sequence and biophysical properties (such as structural, functional, and spatial information, amino acid conservation, physicochemical variation, residue mobility, and thermodynamic stability) performed at Invitae indicates that this missense variant is not expected to disrupt PEX5 protein function. In summary, the available evidence is currently insufficient to determine the role of this variant in disease. Therefore, it has been classified as a Variant of Uncertain Significance.

NM_001351132.2(PEX5):c.523G>A (p.Glu175Lys)

Gene: PEX5 (peroxisomal biogenesis factor 5; plus strand). Cytogenetic location: 12p13.31.
Variant type: single nucleotide variant.
Coding change: c.523G>A on transcript NM_001351132.2 (MANE Select); coding-DNA position 523, G replaced by A.
Protein change: p.Glu175Lys; replaces glutamic acid 175 with lysine.
Molecular consequence: missense variant.
Genome position (GRCh38, 1-based): chr12:7,199,085, G>A. VCF-style: chr12-7199085-G-A. GRCh37 (hg19) VCF-style: chr12-7351681-G-A.
Other names: c.523G>A, p.Glu175Lys (NM_000319.5, NM_001131024.2, NM_001131025.2 and 19 more transcripts); c.568G>A, p.Glu190Lys (NM_001131023.2, NM_001351135.3, NM_001351138.2); short protein forms E190K, E175K.
Identifiers: ClinVar variation 1348479 (VCV001348479.5), dbSNP rs1259114034, ClinGen allele CA383717981.
Genomic context (GRCh38, chr12:7,199,085, plus strand): 5'-TCCCCTGCCCGCTGGGCTGAGGAATATTTGGAGCAATCAGAGGAGAAGCTGTGGCTGGGA[G>A]AACCTGAGGGAACAGCCACCGATCGCTGGTGAGTTCAGATACCTCTTTCCGAATCCCGTG-3'
Protein context (NP_001338061.1, residues 165-185): EQSEEKLWLG[Glu175Lys]PEGTATDRWY